The following is an entry in ClinVar:

NM_016222.4(DDX41):c.1177C>A (p.Pro393Thr)

Gene: DDX41 (DEAD-box helicase 41; minus strand). Cytogenetic location: 5q35.3.
Variant type: single nucleotide variant.
Coding change: c.1177C>A on transcript NM_016222.4 (MANE Select); coding-DNA position 1177, C replaced by A.
Protein change: p.Pro393Thr; replaces proline 393 with threonine.
Molecular consequence: missense variant.
Genome position (GRCh38, 1-based): chr5:177,513,406, G>T on the plus strand (C>A on the coding strand, the complement: DDX41 is on the minus strand). VCF-style: chr5-177513406-G-T. GRCh37 (hg19) VCF-style: chr5-176940407-G-T.
Other names: c.799C>A, p.Pro267Thr (NM_001321732.2, NM_001321830.2); short protein forms P267T, P393T.
Identifiers: ClinVar variation 4869663 (VCV004869663.1).

ClinVar aggregate classification (germline): Uncertain significance (1 of 4 stars; one submission).

Conditions:
Inborn genetic diseases. Identifiers: MedGen C0950123, MeSH D030342.

Submission:

Ambry Genetics
Classification: Uncertain significance for Inborn genetic diseases. Last evaluated: 2026-04-28. Review status: criteria provided, single submitter. Criteria: Ambry Variant Classification Scheme 2023. Collection method: clinical testing. Allele origin: germline.
Comment: The p.P393T variant (also known as c.1177C>A), located in coding exon 11 of the DDX41 gene, results from a C to A substitution at nucleotide position 1177. The proline at codon 393 is replaced by threonine, an amino acid with highly similar properties. This amino acid position is conserved. In addition, this alteration is predicted to be deleterious by in silico analysis. Based on the available evidence, the clinical significance of this variant remains unclear.